The following is an entry in ClinVar:

NM_001130823.3(DNMT1):c.4428T>G (p.His1476Gln)

Gene: DNMT1 (DNA methyltransferase 1; minus strand). Cytogenetic location: 19p13.2.
Variant type: single nucleotide variant.
Coding change: c.4428T>G on transcript NM_001130823.3 (MANE Select); coding-DNA position 4428, T replaced by G.
Protein change: p.His1476Gln; replaces histidine 1476 with glutamine.
Molecular consequence: missense variant.
Genome position (GRCh38, 1-based): chr19:10,137,146, A>C on the plus strand (T>G on the coding strand, the complement: DNMT1 is on the minus strand). VCF-style: chr19-10137146-A-C. GRCh37 (hg19) VCF-style: chr19-10247822-A-C.
Other names: c.4428T>G (LRG_362t1, NM_001130823.2); c.4380T>G, p.His1460Gln (NM_001318730.2, NM_001379.4); c.4065T>G, p.His1355Gln (NM_001318731.2); short protein forms H1476Q, H1355Q, H1460Q.
Identifiers: ClinVar variation 196998 (VCV000196998.60), dbSNP rs142647321, ClinGen allele CA244873.

ClinVar aggregate classification (germline): Benign/Likely benign. Review status: criteria provided, multiple submitters, no conflicts (2 of 4 stars). 16 submissions from 16 submitters: Benign (7); Likely benign (5). 4 of the submissions do not count toward it. Last evaluated 2026-08-01.

Conditions:
DNMT1-related disorder. Also called: DNMT1-related condition. Identifiers: MedGen CN381527.
Inborn genetic diseases. Identifiers: MedGen C0950123, MeSH D030342.
Hereditary sensory neuropathy-deafness-dementia syndrome. Also called: NEUROPATHY, HEREDITARY SENSORY, WITH HEARING LOSS AND DEMENTIA; Hereditary Sensory and Autonomic Neuropathy Type 1E (HSAN1E); Hereditary sensory neuropathy type IE; HSN IE. Identifiers: Orphanet 456318, MedGen C3279885, MONDO:0013584, OMIM 614116.

Allele frequency attached by ClinVar (database versions not stated): 1000 Genomes Project 30x 0.00094; 1000 Genomes Project 0.00100; gnomAD exomes 0.00245; TOPMed 0.00245; ESP Exome Variant Server 0.00246; gnomAD 0.00250 and 0.00251; ExAC 0.00260.
gnomAD v4.1: 4,341 of 1,610,694 alleles (0.27%); highest among the groups gnomAD compares: Middle Eastern, 0.3%; 15 homozygotes.

Submissions (16):

CeGaT Center for Human Genetics Tuebingen
Classification: Likely benign. Last evaluated: 2026-08-01. Review status: criteria provided, single submitter. Criteria: CeGaT Center For Human Genetics Tuebingen Variant Classification Criteria Version 2. Collection method: clinical testing. Allele origin: germline. Affected: yes. Observed: 22 variant alleles.
Comment: DNMT1: BP4, BS1

Labcorp Genetics (formerly Invitae), Labcorp
Classification: Likely benign for Hereditary sensory neuropathy-deafness-dementia syndrome. Last evaluated: 2026-02-01. Review status: criteria provided, single submitter. Criteria: Invitae Variant Classification Sherloc (09022015). Collection method: clinical testing. Allele origin: germline.

PreventionGenetics, part of Exact Sciences
Classification: Benign for DNMT1-related condition. Last evaluated: 2025-05-19. Review status: criteria provided, single submitter. Criteria: ACMG Guidelines, 2015. Collection method: clinical testing. Allele origin: germline.
Comment: This variant is classified as benign based on ACMG/AMP sequence variant interpretation guidelines (Richards et al. 2015 PMID: 25741868, with internal and published modifications).

ARUP Laboratories, Molecular Genetics and Genomics, ARUP Laboratories
Classification: Benign. Last evaluated: 2025-04-17. Review status: criteria provided, single submitter. Criteria: ARUP Molecular Germline Variant Investigation Process 2024. Collection method: clinical testing. Allele origin: germline.

Blueprint Genetics
Classification: Likely benign. Last evaluated: 2024-11-26. Review status: criteria provided, single submitter. Criteria: ACMG Guidelines, 2015. Collection method: clinical testing. Allele origin: germline.

Ambry Genetics
Classification: Likely benign for Inborn genetic diseases. Last evaluated: 2020-01-18. Review status: criteria provided, single submitter. Criteria: Ambry Variant Classification Scheme 2023. Collection method: clinical testing. Allele origin: germline.

GeneDx
Classification: Benign. Last evaluated: 2019-06-04. Review status: criteria provided, single submitter. Criteria: GeneDx Variant Classification Process June 2021. Collection method: clinical testing. Allele origin: germline. Affected: yes.

Mayo Clinic Laboratories, Mayo Clinic
Classification: Benign. Last evaluated: 2018-12-13. Review status: criteria provided, single submitter. Criteria: ACMG Guidelines, 2015. Collection method: clinical testing. Allele origin: germline. Observed: 18 variant alleles.

Illumina Laboratory Services, Illumina
Classification: Benign for Hereditary sensory neuropathy-deafness-dementia syndrome. Last evaluated: 2018-01-13. Review status: criteria provided, single submitter. Criteria: ICSL Variant Classification Criteria 13 December 2019. Collection method: clinical testing. Allele origin: germline.
Comment: This variant was observed in the ICSL laboratory as part of a predisposition screen in an ostensibly healthy population. It had not been previously curated by ICSL or reported in the Human Gene Mutation Database (HGMD: prior to June 1st, 2018), and was therefore a candidate for classification through an automated scoring system. Utilizing variant allele frequency, disease prevalence and penetrance estimates, and inheritance mode, an automated score was calculated to assess if this variant is too frequent to cause the disease. Based on the score and internal cut-off values, a variant classified as benign is not then subjected to further curation. The score for this variant resulted in a classification of benign for this disease.

Eurofins Ntd Llc (ga)
Classification: Benign. Last evaluated: 2016-04-22. Review status: criteria provided, single submitter. Criteria: EGL Classification Definitions 2015. Collection method: clinical testing. Allele origin: germline. Observed: 2 variant alleles, 2 heterozygotes.

Genomic Diagnostic Laboratory, Division of Genomic Diagnostics, Children's Hospital of Philadelphia
Classification: Benign. Last evaluated: 2015-04-17. Review status: criteria provided, single submitter. Criteria: DGD Variant Analysis Guidelines. Collection method: clinical testing. Allele origin: unknown.

Breakthrough Genomics
Classification: Likely benign. Review status: criteria provided, single submitter. Criteria: ACMG Guidelines, 2015. Collection method: not provided. Allele origin: germline. Inheritance: Autosomal dominant inheritance. Affected: yes.

Clinical Genetics DNA and cytogenetics Diagnostics Lab, Erasmus MC, Erasmus Medical Center
Classification: Likely benign. Review status: no assertion criteria provided. Collection method: clinical testing. Allele origin: germline. Affected: yes. Study: VKGL Data-share Consensus. Not counted in ClinVar's aggregate classification.

Clinical Genetics, Academic Medical Center
Classification: Likely benign. Review status: no assertion criteria provided. Collection method: clinical testing. Allele origin: germline. Affected: yes. Study: VKGL Data-share Consensus. Not counted in ClinVar's aggregate classification.

Genome Diagnostics Laboratory, University Medical Center Utrecht
Classification: Likely benign. Review status: no assertion criteria provided. Collection method: clinical testing. Allele origin: germline. Affected: yes. Study: VKGL Data-share Consensus. Not counted in ClinVar's aggregate classification.

Laboratory of Diagnostic Genome Analysis, Leiden University Medical Center (LUMC)
Classification: Likely benign. Review status: no assertion criteria provided. Collection method: clinical testing. Allele origin: germline. Affected: yes. Study: VKGL Data-share Consensus. Not counted in ClinVar's aggregate classification.